The following is an entry in ClinVar:

NM_001134363.3(RBM20):c.2550+4A>G

Gene: RBM20 (RNA binding motif protein 20; plus strand). Cytogenetic location: 10q25.2.
Variant type: single nucleotide variant.
Coding change: c.2550+4A>G on transcript NM_001134363.3 (MANE Select); 4 bases into the intron after coding-DNA position 2550, A replaced by G.
Molecular consequence: intron variant.
Genome position (GRCh38, 1-based): chr10:110,812,951, A>G. VCF-style: chr10-110812951-A-G. GRCh37 (hg19) VCF-style: chr10-112572709-A-G.
Identifiers: ClinVar variation 2763888 (VCV002763888.3), dbSNP rs2493476382, ClinGen allele CA2610892830.
Genomic context (GRCh38, chr10:110,812,951, plus strand): 5'-GATAGAGACCAAGAAGGAGCTGATGATAGAAAAGAAAACACAATGGCAGAGAATGAGGTA[A>G]TGATCAATTTCTTCCCCAGGTAAGGCGAGGCAGGCCCTGAAGGAGAATAATCATAATAAT-3'

ClinVar aggregate classification (germline): Uncertain significance (1 of 4 stars; one submission).

Conditions:
Dilated cardiomyopathy 1DD (CMD1DD). Identifiers: Orphanet 154, MedGen C2750995, MONDO:0013168, OMIM 613172.

Allele frequency attached by ClinVar (database versions not stated): gnomAD exomes below 0.00001.
gnomAD v4.1: 1 of 1,444,886 alleles (0.000069%); highest among the groups gnomAD compares: Non-Finnish European, 0.000091%; no homozygotes.

Submission:

Labcorp Genetics (formerly Invitae), Labcorp
Classification: Uncertain significance for Dilated cardiomyopathy 1DD. Last evaluated: 2023-09-27. Review status: criteria provided, single submitter. Criteria: Invitae Variant Classification Sherloc (09022015). Collection method: clinical testing. Allele origin: germline.
Comment: In summary, the available evidence is currently insufficient to determine the role of this variant in disease. Therefore, it has been classified as a Variant of Uncertain Significance. Variants that disrupt the consensus splice site are a relatively common cause of aberrant splicing (PMID: 17576681, 9536098). Algorithms developed to predict the effect of sequence changes on RNA splicing suggest that this variant may disrupt the consensus splice site. This variant has not been reported in the literature in individuals affected with RBM20-related conditions. This variant is not present in population databases (gnomAD no frequency). This sequence change falls in intron 9 of the RBM20 gene. It does not directly change the encoded amino acid sequence of the RBM20 protein. It affects a nucleotide within the consensus splice site.

Literature cited by the submitters: PubMed 17576681; PubMed 9536098.